The following is an entry in ClinVar:

NM_025103.4(IFT74):c.1746G>C (p.Gln582His)

Gene: IFT74 (intraflagellar transport 74; plus strand). Cytogenetic location: 9p21.2.
Variant type: single nucleotide variant.
Coding change: c.1746G>C on transcript NM_025103.4 (MANE Select); coding-DNA position 1746, G replaced by C.
Protein change: p.Gln582His; replaces glutamine 582 with histidine.
Molecular consequence: missense variant. On other transcripts: 3 prime UTR variant (1).
Genome position (GRCh38, 1-based): chr9:27,062,679, G>C. VCF-style: chr9-27062679-G-C. GRCh37 (hg19) VCF-style: chr9-27062677-G-C.
Other names: c.1746G>C, p.Gln582His (NM_001099222.3, NM_001099223.3); c.*682G>C (NM_001349928.2); short protein forms Q582H.
Identifiers: ClinVar variation 4989356 (VCV004989356.1).

ClinVar aggregate classification (germline): Uncertain significance (1 of 4 stars; one submission).

Conditions:
IFT74-related disorder. Also called: IFT74-Related Disorders; IFT74-related condition.

gnomAD v4.1: 34 of 1,610,236 alleles (0.0021%); highest among the groups gnomAD compares: Non-Finnish European, 0.0028%; no homozygotes.

Submission:

PreventionGenetics, part of Exact Sciences
Classification: Uncertain significance for IFT74-related condition. Last evaluated: 2024-11-27. Review status: criteria provided, single submitter. Criteria: ACMG Guidelines, 2015. Collection method: clinical testing. Allele origin: germline.
Comment: The IFT74 c.1746G>C variant is predicted to result in the amino acid substitution p.Gln582His. To our knowledge, this variant has not been reported in the literature. This variant is reported in 0.0023% of alleles in individuals of European (Non-Finnish) descent in gnomAD. At this time, the clinical significance of this variant is uncertain due to the absence of conclusive functional and genetic evidence.